The following is an entry in ClinVar:

ClinVar aggregate classification (germline): Uncertain significance (1 of 4 stars; one submission).

Allele frequency attached by ClinVar (database versions not stated): gnomAD exomes 0.00001; TOPMed 0.00002; gnomAD 0.00003.
gnomAD v4.1: 15 of 1,613,902 alleles (0.00093%); highest among the groups gnomAD compares: Non-Finnish European, 0.0013%; no homozygotes.

Submission:

Labcorp Genetics (formerly Invitae), Labcorp
Classification: Uncertain significance. Last evaluated: 2022-11-22. Review status: criteria provided, single submitter. Criteria: Invitae Variant Classification Sherloc (09022015). Collection method: clinical testing. Allele origin: germline.
Comment: This sequence change replaces arginine, which is basic and polar, with glycine, which is neutral and non-polar, at codon 60 of the ZIC4 protein (p.Arg60Gly). This variant is present in population databases (no rsID available, gnomAD 0.007%). This variant has not been reported in the literature in individuals affected with ZIC4-related conditions. Algorithms developed to predict the effect of missense changes on protein structure and function are either unavailable or do not agree on the potential impact of this missense change (SIFT: "Deleterious"; PolyPhen-2: "Possibly Damaging"; Align-GVGD: "Class C0"). In summary, the available evidence is currently insufficient to determine the role of this variant in disease. Therefore, it has been classified as a Variant of Uncertain Significance.

NM_032153.6(ZIC4):c.28A>G (p.Arg10Gly)

Gene: ZIC4 (Zic family zinc finger 4; minus strand). Cytogenetic location: 3q24.
Variant type: single nucleotide variant.
Coding change: c.28A>G on transcript NM_032153.6 (MANE Select); coding-DNA position 28, A replaced by G.
Protein change: p.Arg10Gly; replaces arginine 10 with glycine.
Molecular consequence: missense variant.
Genome position (GRCh38, 1-based): chr3:147,402,770, T>C on the plus strand (A>G on the coding strand, the complement: ZIC4 is on the minus strand). VCF-style: chr3-147402770-T-C. GRCh37 (hg19) VCF-style: chr3-147120557-T-C.
Other names: c.178A>G, p.Arg60Gly (NM_001168378.1); c.142A>G, p.Arg48Gly (NM_001168379.2); c.28A>G, p.Arg10Gly (NM_001243256.2); short protein forms R48G, R60G, R10G.
Identifiers: ClinVar variation 1978406 (VCV001978406.4), dbSNP rs1199383010, ClinGen allele CA354893814.